The following is an entry in ClinVar:

ClinVar aggregate classification (germline): Likely benign. Review status: criteria provided, single submitter (1 of 4 stars). 2 submissions from 2 submitters: Likely benign (1). 1 of the submissions does not count toward it. Last evaluated 2023-08-30.

Conditions:
PCSK1-related disorder. Also called: PCSK1-related condition.

gnomAD v4.1: 4 of 1,614,086 alleles (0.00025%); highest among the groups gnomAD compares: African/African-American, 0.0013%; no homozygotes.

Submissions (2):

Labcorp Genetics (formerly Invitae), Labcorp
Classification: Likely benign. Last evaluated: 2023-08-30. Review status: criteria provided, single submitter. Criteria: Invitae Variant Classification Sherloc (09022015). Collection method: clinical testing. Allele origin: germline.

PreventionGenetics, part of Exact Sciences
Classification: Likely benign for PCSK1-related condition. Last evaluated: 2020-06-25. Review status: no assertion criteria provided. Collection method: clinical testing. Allele origin: germline. Not counted in ClinVar's aggregate classification.
Comment: This variant is classified as likely benign based on ACMG/AMP sequence variant interpretation guidelines (Richards et al. 2015 PMID: 25741868, with internal and published modifications).

NM_000439.5(PCSK1):c.1059C>G (p.Thr353=)

Genes: CAST (calpastatin; plus strand), PCSK1 (proprotein convertase subtilisin/kexin type 1; minus strand), LOC101929710 (uncharacterized LOC101929710; plus strand). Cytogenetic location: 5q15.
Variant type: single nucleotide variant.
Coding change: c.1059C>G on transcript NM_000439.5 (MANE Select); coding-DNA position 1059, C replaced by G.
Protein change: p.Thr353=; no amino-acid change (threonine 353 retained).
Molecular consequence: synonymous variant. On other transcripts: intron variant (11).
Genome position (GRCh38, 1-based): chr5:96,410,810, G>C on the plus strand (C>G on the coding strand, the complement: PCSK1 is on the minus strand). VCF-style: chr5-96410810-G-C. GRCh37 (hg19) VCF-style: chr5-95746514-G-C.
Other names: c.918C>G, p.Thr306= (NM_001177875.2); c.-175+31158G>C (NM_001423254.1, NM_001423259.1, NM_001423255.1 and 6 more transcripts); c.-103+31158G>C (NM_001423253.1); c.-40+31158G>C (NM_001423258.1).
Identifiers: ClinVar variation 3005713 (VCV003005713.4), dbSNP rs1183834772, ClinGen allele CA445494349.